The following is an entry in ClinVar:

NM_005055.5(RAPSN):c.837C>G (p.Ile279Met)

Gene: RAPSN (receptor associated protein of the synapse; minus strand). Cytogenetic location: 11p11.2.
Variant type: single nucleotide variant.
Coding change: c.837C>G on transcript NM_005055.5 (MANE Select); coding-DNA position 837, C replaced by G.
Protein change: p.Ile279Met; replaces isoleucine 279 with methionine.
Molecular consequence: missense variant. On other transcripts: intron variant (1).
Genome position (GRCh38, 1-based): chr11:47,441,686, G>C on the plus strand (C>G on the coding strand, the complement: RAPSN is on the minus strand). VCF-style: chr11-47441686-G-C. GRCh37 (hg19) VCF-style: chr11-47463238-G-C.
Other names: c.789+137C>G (NM_032645.5); short protein forms I279M.
Identifiers: ClinVar variation 1520994 (VCV001520994.6), dbSNP rs755310896, ClinGen allele CA5976607.

ClinVar aggregate classification (germline): Uncertain significance (1 of 4 stars; one submission).

Conditions:
Congenital myasthenic syndrome 11. Also called: MYASTHENIC SYNDROME, CONGENITAL, Ie; Myasthenic syndrome, congenital, 11, associated with acetylcholine receptor deficiency. Identifiers: Orphanet 590, MedGen C4225367, MONDO:0014588, OMIM 616326.
Fetal akinesia deformation sequence 1 (FADS1). Also called: Fetal akinesia sequence; Pena-Shokeir syndrome type I. Identifiers: Orphanet 994, MedGen C1276035, MONDO:0100101, OMIM 208150, HP:0001989.

Submission:

Labcorp Genetics (formerly Invitae), Labcorp
Classification: Uncertain significance for Congenital myasthenic syndrome 11; Fetal akinesia deformation sequence 1. Last evaluated: 2024-10-30. Review status: criteria provided, single submitter. Criteria: Invitae Variant Classification Sherloc (09022015). Collection method: clinical testing. Allele origin: germline.
Comment: This sequence change replaces isoleucine, which is neutral and non-polar, with methionine, which is neutral and non-polar, at codon 279 of the RAPSN protein (p.Ile279Met). This variant is present in population databases (rs755310896, gnomAD 0.003%). This variant has not been reported in the literature in individuals affected with RAPSN-related conditions. ClinVar contains an entry for this variant (Variation ID: 1520994). Invitae Evidence Modeling of protein sequence and biophysical properties (such as structural, functional, and spatial information, amino acid conservation, physicochemical variation, residue mobility, and thermodynamic stability) indicates that this missense variant is not expected to disrupt RAPSN protein function with a negative predictive value of 80%. In summary, the available evidence is currently insufficient to determine the role of this variant in disease. Therefore, it has been classified as a Variant of Uncertain Significance.